The following is an entry in ClinVar:

ClinVar aggregate classification (germline): Uncertain significance. Review status: criteria provided, multiple submitters, no conflicts (2 of 4 stars). 3 submissions from 3 submitters: Uncertain significance (3). Last evaluated 2025-12-15.

Conditions:
Mucopolysaccharidosis type 1. Also called: IDUA deficiency; MPS I; Mucopolysaccharidosis Type I. Identifiers: Orphanet 579, MedGen C0023786, MONDO:0001586.

Allele frequency attached by ClinVar (database versions not stated): TOPMed 0.00002; 1000 Genomes Project 30x 0.00016.
gnomAD v4.1: 88 of 1,599,472 alleles (0.0055%); highest among the groups gnomAD compares: Non-Finnish European, 0.007%; no homozygotes.

Submissions (3):

Women's Health and Genetics/Laboratory Corporation of America, LabCorp
Classification: Uncertain significance. Last evaluated: 2025-12-15. Review status: criteria provided, single submitter. Criteria: LabCorp Variant Classification Summary - May 2015. Collection method: clinical testing. Allele origin: germline.

Labcorp Genetics (formerly Invitae), Labcorp
Classification: Uncertain significance for Mucopolysaccharidosis type 1. Last evaluated: 2022-10-07. Review status: criteria provided, single submitter. Criteria: Invitae Variant Classification Sherloc (09022015). Collection method: clinical testing. Allele origin: germline.
Comment: This sequence change falls in intron 4 of the IDUA gene. It does not directly change the encoded amino acid sequence of the IDUA protein. It affects a nucleotide within the consensus splice site. This variant is present in population databases (rs376738689, gnomAD 0.006%). This variant has not been reported in the literature in individuals affected with IDUA-related conditions. ClinVar contains an entry for this variant (Variation ID: 905399). Variants that disrupt the consensus splice site are a relatively common cause of aberrant splicing (PMID: 17576681, 9536098). Algorithms developed to predict the effect of sequence changes on RNA splicing suggest that this variant may create or strengthen a splice site. In summary, the available evidence is currently insufficient to determine the role of this variant in disease. Therefore, it has been classified as a Variant of Uncertain Significance.

Illumina Laboratory Services, Illumina
Classification: Uncertain significance for Mucopolysaccharidosis type 1. Last evaluated: 2018-01-12. Review status: criteria provided, single submitter. Criteria: ICSL Variant Classification Criteria 13 December 2019. Collection method: clinical testing. Allele origin: germline.

Literature cited by the submitters: PubMed 17576681 (cited by Labcorp Genetics (formerly Invitae), Labcorp); PubMed 9536098 (cited by Labcorp Genetics (formerly Invitae), Labcorp).

NM_000203.5(IDUA):c.493+6C>T

Gene: IDUA (alpha-L-iduronidase; plus strand). Cytogenetic location: 4p16.3.
Variant type: single nucleotide variant.
Coding change: c.493+6C>T on transcript NM_000203.5 (MANE Select); 6 bases into the intron after coding-DNA position 493, C replaced by T.
Molecular consequence: intron variant.
Genome position (GRCh38, 1-based): chr4:1,000,995, C>T. VCF-style: chr4-1000995-C-T. GRCh37 (hg19) VCF-style: chr4-994783-C-T.
Other names: c.97+6C>T (NM_001363576.1).
Identifiers: ClinVar variation 905399 (VCV000905399.6), dbSNP rs376738689, ClinGen allele CA2801937.